The following is an entry in ClinVar:

NM_003482.4(KMT2D):c.94G>C (p.Asp32His)

Gene: KMT2D (lysine methyltransferase 2D; minus strand). Cytogenetic location: 12q13.12.
Variant type: single nucleotide variant.
Coding change: c.94G>C on transcript NM_003482.4 (MANE Select); coding-DNA position 94, G replaced by C.
Protein change: p.Asp32His; replaces aspartic acid 32 with histidine.
Molecular consequence: missense variant.
Genome position (GRCh38, 1-based): chr12:49,054,982, C>G on the plus strand (G>C on the coding strand, the complement: KMT2D is on the minus strand). VCF-style: chr12-49054982-C-G. GRCh37 (hg19) VCF-style: chr12-49448765-C-G.
Other names: short protein forms D32H.
Identifiers: ClinVar variation 1700830 (VCV001700830.2), dbSNP rs2120716122, ClinGen allele CA384690706.

ClinVar aggregate classification (germline): Uncertain significance (1 of 4 stars; one submission).

Allele frequency attached by ClinVar (database versions not stated): gnomAD exomes below 0.00001.
gnomAD v4.1: 2 of 1,614,048 alleles (0.00012%); highest among the groups gnomAD compares: South Asian, 0.0022%; no homozygotes.

Submission:

GeneDx
Classification: Uncertain significance. Last evaluated: 2022-02-10. Review status: criteria provided, single submitter. Criteria: GeneDx Variant Classification Process June 2021. Collection method: clinical testing. Allele origin: germline. Affected: yes.
Comment: Not observed at significant frequency in large population cohorts (gnomAD); In silico analysis supports that this missense variant has a deleterious effect on protein structure/function; Has not been previously published as pathogenic or benign to our knowledge